The following is an entry in ClinVar:

ClinVar aggregate classification (germline): Uncertain significance. Review status: criteria provided, multiple submitters, no conflicts (2 of 4 stars). 3 submissions from 3 submitters: Uncertain significance (3). Last evaluated 2025-03-10.

Conditions:
Hereditary spastic paraplegia 8 (SPG8). Also called: SPASTIC PARAPLEGIA 8, AUTOSOMAL DOMINANT. Identifiers: Orphanet 100989, MedGen C1863704, MONDO:0011339, OMIM 603563.
Ritscher-Schinzel syndrome. Also called: CRANIOCEREBELLOCARDIAC DYSPLASIA. Identifiers: Orphanet 7, MedGen C0796137, MONDO:0019078.
Hereditary spastic paraplegia. Also called: Familial spastic paraparesis. Identifiers: Orphanet 685, MedGen C0037773, MONDO:0019064. Disease mechanism: loss of function.

Allele frequency attached by ClinVar (database versions not stated): gnomAD exomes 0.00003 and 0.00012; ExAC 0.00016; gnomAD 0.00006 and 0.00004; TOPMed 0.00010; 1000 Genomes Project 30x 0.00016; 1000 Genomes Project 0.00020.
gnomAD v4.1: 67 of 1,614,060 alleles (0.0042%); highest among the groups gnomAD compares: East Asian, 0.087%; no homozygotes.

Submissions (3):

Labcorp Genetics (formerly Invitae), Labcorp
Classification: Uncertain significance for Ritscher-Schinzel syndrome; Hereditary spastic paraplegia 8. Last evaluated: 2025-03-10. Review status: criteria provided, single submitter. Criteria: Invitae Variant Classification Sherloc (09022015). Collection method: clinical testing. Allele origin: germline.
Comment: This sequence change replaces threonine, which is neutral and polar, with alanine, which is neutral and non-polar, at codon 845 of the WASHC5 protein (p.Thr845Ala). This variant is present in population databases (rs553869211, gnomAD 0.2%). This missense change has been observed in individual(s) with clinical features or WASHC5-related conditions (PMID: 30896870, 31227335). ClinVar contains an entry for this variant (Variation ID: 1030374). Invitae Evidence Modeling of protein sequence and biophysical properties (such as structural, functional, and spatial information, amino acid conservation, physicochemical variation, residue mobility, and thermodynamic stability) indicates that this missense variant is not expected to disrupt WASHC5 protein function with a negative predictive value of 80%. In summary, the available evidence is currently insufficient to determine the role of this variant in disease. Therefore, it has been classified as a Variant of Uncertain Significance.

Genome Diagnostics Laboratory, The Hospital for Sick Children
Classification: Uncertain significance for Hereditary spastic paraplegia. Last evaluated: 2020-04-01. Review status: criteria provided, single submitter. Criteria: ACMG Guidelines, 2015. Collection method: clinical testing. Allele origin: germline. Affected: yes.

Baylor Genetics
Classification: Uncertain significance for Hereditary spastic paraplegia 8. Last evaluated: 2019-11-18. Review status: criteria provided, single submitter. Criteria: ACMG Guidelines, 2015. Collection method: clinical testing. Allele origin: unknown. Affected: yes.
Comment: This variant was determined to be of uncertain significance according to ACMG Guidelines, 2015 [PMID:25741868].

Literature cited by the submitters: PubMed 30896870 (cited by Labcorp Genetics (formerly Invitae), Labcorp); PubMed 31227335 (cited by Labcorp Genetics (formerly Invitae), Labcorp).

NM_014846.4(WASHC5):c.2533A>G (p.Thr845Ala)

Genes: WASHC5 (WASH complex subunit 5; minus strand), WASHC5-AS1 (WASHC5 antisense RNA 1; plus strand). Cytogenetic location: 8q24.13.
Variant type: single nucleotide variant.
Coding change: c.2533A>G on transcript NM_014846.4 (MANE Select); coding-DNA position 2533, A replaced by G.
Protein change: p.Thr845Ala; replaces threonine 845 with alanine.
Molecular consequence: missense variant. On other transcripts: non-coding transcript variant (1).
Genome position (GRCh38, 1-based): chr8:125,044,670, T>C on the plus strand (A>G on the coding strand, the complement: WASHC5 is on the minus strand). VCF-style: chr8-125044670-T-C. GRCh37 (hg19) VCF-style: chr8-126056912-T-C.
Other names: c.2089A>G, p.Thr697Ala (NM_001330609.2); short protein forms T697A, T845A.
Identifiers: ClinVar variation 1030374 (VCV001030374.9), dbSNP rs553869211, ClinGen allele CA4873495.